The following is an entry in ClinVar:

ClinVar aggregate classification (germline): Benign/Likely benign. Review status: criteria provided, multiple submitters, no conflicts (2 of 4 stars). 13 submissions from 10 submitters: Benign (8); Likely benign (1). 4 of the submissions do not count toward it. Last evaluated 2026-02-04.

Conditions:
PDGFRB-related disorder. Also called: PDGFRB-related condition.
Myeloproliferative disorder, chronic, with eosinophilia. Also called: Malignant eosinophil proliferation; EOSINOPHILS, MALIGNANT PROLIFERATION OF. Identifiers: MedGen C1851585, MONDO:0007546, OMIM 131440, HP:0006782.
Acroosteolysis-keloid-like lesions-premature aging syndrome. Also called: Progeroid syndrome, Penttinen type; Premature aging syndrome, Penttinen type; Prematurely aged appearance, delayed bone maturation, acro-osteolysis, and brachydactyly. Identifiers: Orphanet 363665, MedGen C1866182, MONDO:0011150, OMIM 601812.
Myofibromatosis, infantile, 1. Also called: Myofibromatosis, juvenile. Identifiers: Orphanet 2591, MedGen C4551572, MONDO:0009227, OMIM 228550.
Basal ganglia calcification, idiopathic, 4 (PFBC4). Also called: Familial Idiopathic Basal Ganglia Calcification 4; PRIMARY FAMILIAL BRAIN CALCIFICATION 4, AUTOSOMAL DOMINANT. Identifiers: Orphanet 1980, MedGen C3554321, MONDO:0014004, OMIM 615007.
Skeletal overgrowth-craniofacial dysmorphism-hyperelastic skin-white matter lesions syndrome. Also called: SKELETAL OVERGROWTH WITH FACIAL DYSMORPHISM, HYPERELASTIC SKIN, WHITE MATTER LESIONS, AND NEUROLOGIC DETERIORATION; Kosaki overgrowth syndrome. Identifiers: Orphanet 477831, MedGen C4225270, MONDO:0014704, OMIM 616592.
Infantile myofibromatosis (IMF). Also called: Congenital generalized fibromatosis. Identifiers: Orphanet 2591, MedGen C0432284, MONDO:0016824.

Allele frequency attached by ClinVar (database versions not stated): TOPMed 0.26240; gnomAD 0.26470 and 0.26738; ESP Exome Variant Server 0.28102; gnomAD exomes 0.30851 and 0.28597; ExAC 0.28712; 1000 Genomes Project 0.23642; 1000 Genomes Project 30x 0.23891.
gnomAD v4.1: 475,904 of 1,564,366 alleles (30%); highest among the groups gnomAD compares: Middle Eastern, 37%; 75,004 homozygotes.

Submissions (13):

Labcorp Genetics (formerly Invitae), Labcorp
Classification: Benign for Basal ganglia calcification, idiopathic, 4; Skeletal overgrowth-craniofacial dysmorphism-hyperelastic skin-white matter lesions syndrome; Infantile myofibromatosis; Acroosteolysis-keloid-like lesions-premature aging syndrome. Last evaluated: 2026-02-04. Review status: criteria provided, single submitter. Criteria: Invitae Variant Classification Sherloc (09022015). Collection method: clinical testing. Allele origin: germline.

KCCC/NGS Laboratory, Kuwait Cancer Control Center
Classification: Benign for Myofibromatosis, infantile, 1. Last evaluated: 2025-02-01. Review status: criteria provided, single submitter. Criteria: ACMG Guidelines, 2015. Collection method: clinical testing. Allele origin: germline. Affected: no.

Blueprint Genetics
Classification: Likely benign. Last evaluated: 2024-11-26. Review status: criteria provided, single submitter. Criteria: ACMG Guidelines, 2015. Collection method: clinical testing. Allele origin: germline.

KCCC/NGS Laboratory, Kuwait Cancer Control Center
Classification: Benign for Myeloproliferative disorder, chronic, with eosinophilia. Last evaluated: 2023-07-07. Review status: criteria provided, single submitter. Criteria: ACMG Guidelines, 2015. Collection method: clinical testing. Allele origin: germline. Affected: yes.

Mayo Clinic Laboratories, Mayo Clinic
Classification: Benign. Last evaluated: 2022-03-24. Review status: criteria provided, single submitter. Criteria: ACMG Guidelines, 2015. Collection method: clinical testing. Allele origin: germline. Observed: 351 variant alleles.

Genome-Nilou Lab
Classification: Benign for Basal ganglia calcification, idiopathic, 4. Last evaluated: 2021-09-05. Review status: criteria provided, single submitter. Criteria: ACMG Guidelines, 2015. Collection method: clinical testing. Allele origin: germline. Affected: no.

Genome-Nilou Lab
Classification: Benign for Skeletal overgrowth-craniofacial dysmorphism-hyperelastic skin-white matter lesions syndrome. Last evaluated: 2021-09-05. Review status: criteria provided, single submitter. Criteria: ACMG Guidelines, 2015. Collection method: clinical testing. Allele origin: germline. Affected: no.

Genome-Nilou Lab
Classification: Benign for Acroosteolysis-keloid-like lesions-premature aging syndrome. Last evaluated: 2021-09-05. Review status: criteria provided, single submitter. Criteria: ACMG Guidelines, 2015. Collection method: clinical testing. Allele origin: germline. Affected: no.

GeneDx
Classification: Benign. Last evaluated: 2019-01-14. Review status: criteria provided, single submitter. Criteria: GeneDx Variant Classification Process June 2021. Collection method: clinical testing. Allele origin: germline. Affected: yes.

PreventionGenetics, part of Exact Sciences
Classification: Benign for PDGFRB-related condition. Last evaluated: 2022-06-08. Review status: no assertion criteria provided. Collection method: clinical testing. Allele origin: germline. Not counted in ClinVar's aggregate classification.
Comment: This variant is classified as benign based on ACMG/AMP sequence variant interpretation guidelines (Richards et al. 2015 PMID: 25741868, with internal and published modifications).

Clinical Genetics DNA and cytogenetics Diagnostics Lab, Erasmus MC, Erasmus Medical Center
Classification: Benign. Review status: no assertion criteria provided. Collection method: clinical testing. Allele origin: germline. Affected: yes. Study: VKGL Data-share Consensus. Not counted in ClinVar's aggregate classification.

Genome Diagnostics Laboratory, Amsterdam University Medical Center
Classification: Benign. Review status: no assertion criteria provided. Collection method: clinical testing. Allele origin: germline. Affected: yes. Study: VKGL Data-share Consensus. Not counted in ClinVar's aggregate classification.

Joint Genome Diagnostic Labs from Nijmegen and Maastricht, Radboudumc and MUMC+
Classification: Benign. Review status: no assertion criteria provided. Collection method: clinical testing. Allele origin: germline. Affected: yes. Study: VKGL Data-share Consensus. Not counted in ClinVar's aggregate classification.

NM_002609.4(PDGFRB):c.2601A>G (p.Leu867=)

Gene: PDGFRB (platelet derived growth factor receptor beta; minus strand). Cytogenetic location: 5q32.
Variant type: single nucleotide variant.
Coding change: c.2601A>G on transcript NM_002609.4 (MANE Select); coding-DNA position 2601, A replaced by G.
Protein change: p.Leu867=; no amino-acid change (leucine 867 retained).
Molecular consequence: synonymous variant.
Genome position (GRCh38, 1-based): chr5:150,120,109, T>C on the plus strand (A>G on the coding strand, the complement: PDGFRB is on the minus strand). VCF-style: chr5-150120109-T-C. GRCh37 (hg19) VCF-style: chr5-149499672-T-C.
Other names: p.Leu867=; c.2409A>G, p.Leu803= (NM_001355016.2); c.2118A>G, p.Leu706= (NM_001355017.2).
Identifiers: ClinVar variation 258776 (VCV000258776.25), dbSNP rs246395, ClinGen allele CA3507572.